The following is an entry in ClinVar:

ClinVar aggregate classification (germline): Uncertain significance (1 of 4 stars; one submission).

gnomAD v4.1: 2 of 1,613,876 alleles (0.00012%); highest among the groups gnomAD compares: African/African-American, 0.0027%; no homozygotes.

Submission:

Mayo Clinic Laboratories, Mayo Clinic
Classification: Uncertain significance. Last evaluated: 2025-12-05. Review status: criteria provided, single submitter. Criteria: ACMG Guidelines, 2015. Collection method: clinical testing. Allele origin: germline. Observed: 1 variant allele.
Comment: BP4_strong, PM2_supporting

NM_033305.3(VPS13A):c.2201G>C (p.Ser734Thr)

Gene: VPS13A (vacuolar protein sorting 13 homolog A; plus strand). Cytogenetic location: 9q21.2.
Variant type: single nucleotide variant.
Coding change: c.2201G>C on transcript NM_033305.3 (MANE Select); coding-DNA position 2201, G replaced by C.
Protein change: p.Ser734Thr; replaces serine 734 with threonine.
Molecular consequence: missense variant.
Genome position (GRCh38, 1-based): chr9:77,252,265, G>C. VCF-style: chr9-77252265-G-C. GRCh37 (hg19) VCF-style: chr9-79867181-G-C.
Other names: p.Ser734Thr; c.2201G>C, p.Ser734Thr (NM_001018037.2, NM_001018038.3, NM_015186.4); short protein forms S734T.
Identifiers: ClinVar variation 4541450 (VCV004541450.1).